The following is an entry in ClinVar:

NM_032999.4(GTF2I):c.51G>A (p.Ser17=)

Genes: GTF2I (general transcription factor IIi; plus strand), GTF2I-AS1 (GTF2I antisense RNA 1; minus strand). Cytogenetic location: 7q11.23.
Variant type: single nucleotide variant.
Coding change: c.51G>A on transcript NM_032999.4 (MANE Select); coding-DNA position 51, G replaced by A.
Protein change: p.Ser17=; no amino-acid change (serine 17 retained).
Molecular consequence: synonymous variant. On other transcripts: non-coding transcript variant (1).
Genome position (GRCh38, 1-based): chr7:74,689,179, G>A. VCF-style: chr7-74689179-G-A. GRCh37 (hg19) VCF-style: chr7-74103513-G-A.
Other names: c.51G>A, p.Ser17= (NM_001163636.3, NM_001280800.2, NM_001518.5 and 2 more transcripts).
Identifiers: ClinVar variation 4872235 (VCV004872235.2).

ClinVar aggregate classification (germline): Likely benign (1 of 4 stars; one submission).

gnomAD v4.1: 674 of 1,612,938 alleles (0.042%); highest among the groups gnomAD compares: Middle Eastern, 0.61%; 4 homozygotes.

Submission:

CeGaT Center for Human Genetics Tuebingen
Classification: Likely benign. Last evaluated: 2026-06-01. Review status: criteria provided, single submitter. Criteria: CeGaT Center For Human Genetics Tuebingen Variant Classification Criteria Version 2. Collection method: clinical testing. Allele origin: germline. Affected: yes. Observed: 1 variant allele.
Comment: GTF2I: BP4, BP7